The following is an entry in ClinVar:

NM_007294.4(BRCA1):c.1881del (p.Ser628fs)

Gene: BRCA1 (BRCA1 DNA repair associated; minus strand). Cytogenetic location: 17q21.31.
Variant type: Deletion.
Coding change: c.1881del on transcript NM_007294.4 (MANE Select); coding-DNA position 1881, one base deleted (C; older notation c.1881delC).
Protein change: p.Ser628fs; shifts the reading frame from serine 628.
Molecular consequence: frameshift variant. On other transcripts: intron variant (137).
Genome position (GRCh38, 1-based): chr17:43,093,650, G deleted on the plus strand (C on the coding strand, the reverse complement: BRCA1 is on the minus strand). VCF-style (leftmost placement, unchanged base first): chr17-43093649-TG-T. GRCh37 (hg19) VCF-style: chr17-41245666-TG-T.
Other names: c.1881del, p.Ser628fs (NM_001407641.1, NM_001407642.1, NM_001407652.1 and 30 more transcripts); c.1878del, p.Ser627fs (NM_001407644.1, NM_001407645.1, NM_001407860.1 and 22 more transcripts); c.1872del, p.Ser625fs (NM_001407646.1, NM_001407647.1); c.1758del, p.Ser587fs (NM_001407648.1, NM_001407664.1, NM_001407665.1 and 19 more transcripts); c.1755del, p.Ser586fs (NM_001407649.1, NM_001407670.1, NM_001407671.1 and 11 more transcripts); c.1803del, p.Ser602fs (NM_001407653.1, NM_001407654.1, NM_001407655.1 and 4 more transcripts); c.1800del, p.Ser601fs (NM_001407659.1, NM_001407660.1, NM_001407661.1 and 1 more transcripts); c.1740del, p.Ser581fs (NM_001407692.1, NM_001407694.1, NM_001407695.1 and 29 more transcripts); and 40 more; short protein forms S332fs, S460fs, S500fs, S501fs, S516fs, S517fs, S539fs, S540fs.
Identifiers: ClinVar variation 4279039 (VCV004279039.1).

ClinVar aggregate classification (germline): Likely pathogenic (1 of 4 stars; one submission).

Conditions:
Breast-ovarian cancer, familial, susceptibility to, 1 (BROVCA1). Also called: BRCA1 Hereditary Breast and Ovarian Cancer; OVARIAN CANCER, SUSCEPTIBILITY TO. Identifiers: Orphanet 145, MedGen C2676676, MONDO:0011450, OMIM 604370. Disease mechanism: loss of function.

Submission:

Institute of Immunology and Genetics Kaiserslautern
Classification: Likely pathogenic for Breast-ovarian cancer, familial, susceptibility to, 1. Last evaluated: 2025-08-04. Review status: criteria provided, single submitter. Criteria: ACMG Guidelines, 2015. Collection method: clinical testing. Allele origin: germline. Affected: no.
Comment: ACMG Criteria: PVS1, PM2.